The following is an entry in ClinVar:

ClinVar aggregate classification (germline): Uncertain significance (1 of 4 stars; one submission).

Conditions:
Cardiovascular phenotype. Identifiers: MedGen CN230736.

Allele frequency attached by ClinVar (database versions not stated): gnomAD exomes below 0.00001; gnomAD 0.00001; 1000 Genomes Project 30x 0.00016; 1000 Genomes Project 0.00020.
gnomAD v4.1: 3 of 1,614,118 alleles (0.00019%); highest among the groups gnomAD compares: East Asian, 0.0022%; no homozygotes.

Submission:

Ambry Genetics
Classification: Uncertain significance for Cardiovascular phenotype. Last evaluated: 2022-08-01. Review status: criteria provided, single submitter. Criteria: Ambry Variant Classification Scheme 2023. Collection method: clinical testing. Allele origin: germline.
Comment: The p.E370D variant (also known as c.1110G>T), located in coding exon 7 of the ABCG8 gene, results from a G to T substitution at nucleotide position 1110. The glutamic acid at codon 370 is replaced by aspartic acid, an amino acid with highly similar properties. This amino acid position is conserved. In addition, this alteration is predicted to be tolerated by in silico analysis. Since supporting evidence is limited at this time, the clinical significance of this alteration remains unclear.

NM_022437.3(ABCG8):c.1110G>T (p.Glu370Asp)

Gene: ABCG8 (ATP binding cassette subfamily G member 8; plus strand). Cytogenetic location: 2p21.
Variant type: single nucleotide variant.
Coding change: c.1110G>T on transcript NM_022437.3 (MANE Select); coding-DNA position 1110, G replaced by T.
Protein change: p.Glu370Asp; replaces glutamic acid 370 with aspartic acid.
Molecular consequence: missense variant.
Genome position (GRCh38, 1-based): chr2:43,872,121, G>T. VCF-style: chr2-43872121-G-T. GRCh37 (hg19) VCF-style: chr2-44099260-G-T.
Other names: c.1110G>T, p.Glu370Asp (NM_001357321.2); short protein forms E370D.
Identifiers: ClinVar variation 1795126 (VCV001795126.2), dbSNP rs575261912, ClinGen allele CA46465279.